The following is an entry in ClinVar:

NM_000179.3(MSH6):c.1376C>T (p.Ser459Phe)

Gene: MSH6 (mutS homolog 6; plus strand). Cytogenetic location: 2p16.3.
Variant type: single nucleotide variant.
Coding change: c.1376C>T on transcript NM_000179.3 (MANE Select); coding-DNA position 1376, C replaced by T.
Protein change: p.Ser459Phe; replaces serine 459 with phenylalanine.
Molecular consequence: missense variant.
Genome position (GRCh38, 1-based): chr2:47,799,359, C>T. VCF-style: chr2-47799359-C-T. GRCh37 (hg19) VCF-style: chr2-48026498-C-T.
Other names: c.986C>T, p.Ser329Phe (NM_001281492.2); c.470C>T, p.Ser157Phe (NM_001281493.2, NM_001281494.2, NM_001406811.1 and 6 more transcripts); c.1472C>T, p.Ser491Phe (NM_001406795.1, NM_001406802.1); c.1376C>T, p.Ser459Phe (NM_001406796.1, NM_001406798.1, NM_001406800.1 and 4 more transcripts); c.1079C>T, p.Ser360Phe (NM_001406797.1, NM_001406801.1, NM_001406805.1 and 10 more transcripts); c.851C>T, p.Ser284Phe (NM_001406799.1, NM_001406806.1, NM_001406807.1); c.1298C>T, p.Ser433Phe (NM_001406804.1); c.1382C>T, p.Ser461Phe (NM_001406813.1); and 1 more; short protein forms S157F, S491F, S403F, S433F, S461F, S284F, S360F, S459F.
Identifiers: ClinVar variation 1771172 (VCV001771172.7), dbSNP rs587782346, ClinGen allele CA346744958.

ClinVar aggregate classification (germline): Uncertain significance. Review status: criteria provided, multiple submitters, no conflicts (2 of 4 stars). 2 submissions from 2 submitters: Uncertain significance (2). Last evaluated 2022-01-11.

Conditions:
Hereditary nonpolyposis colorectal neoplasms. Identifiers: MedGen C0009405, MeSH D003123.
Hereditary cancer-predisposing syndrome. Also called: Hereditary Cancer Syndrome; Hereditary neoplastic syndrome; Neoplastic Syndromes, Hereditary; Tumor predisposition. Identifiers: Orphanet 140162, MedGen C0027672, MeSH D009386, MONDO:0015356.

gnomAD v4.1: 1 of 1,614,082 alleles (0.000062%); highest among the groups gnomAD compares: Non-Finnish European, 0.000085%; no homozygotes.

Submissions (2):

Labcorp Genetics (formerly Invitae), Labcorp
Classification: Uncertain significance for Hereditary nonpolyposis colorectal neoplasms. Last evaluated: 2022-01-11. Review status: criteria provided, single submitter. Criteria: Invitae Variant Classification Sherloc (09022015). Collection method: clinical testing. Allele origin: germline.
Comment: Advanced modeling of protein sequence and biophysical properties (such as structural, functional, and spatial information, amino acid conservation, physicochemical variation, residue mobility, and thermodynamic stability) performed at Invitae indicates that this missense variant is expected to disrupt MSH6 protein function. In summary, the available evidence is currently insufficient to determine the role of this variant in disease. Therefore, it has been classified as a Variant of Uncertain Significance. This variant has not been reported in the literature in individuals affected with MSH6-related conditions. This sequence change replaces serine, which is neutral and polar, with phenylalanine, which is neutral and non-polar, at codon 459 of the MSH6 protein (p.Ser459Phe). This variant is not present in population databases (gnomAD no frequency).

Ambry Genetics
Classification: Uncertain significance for Hereditary cancer-predisposing syndrome. Last evaluated: 2021-11-17. Review status: criteria provided, single submitter. Criteria: Ambry Variant Classification Scheme 2023. Collection method: clinical testing. Allele origin: germline.
Comment: The p.S459F variant (also known as c.1376C>T), located in coding exon 4 of the MSH6 gene, results from a C to T substitution at nucleotide position 1376. The serine at codon 459 is replaced by phenylalanine, an amino acid with highly dissimilar properties. This variant was reported in 0/60,466 breast cancer cases and in 1/53,461 controls (Dorling et al. N Engl J Med. 2021 02;384:428-439). This amino acid position is highly conserved in available vertebrate species. In addition, this alteration is predicted to be deleterious by in silico analysis.

Literature cited by the submitters: PubMed 30211344 (cited by Ambry Genetics); PubMed 33471991 (cited by Ambry Genetics).